The following is an entry in ClinVar:

NM_000271.5(NPC1):c.541G>A (p.Ala181Thr)

Gene: NPC1 (NPC intracellular cholesterol transporter 1; minus strand). Cytogenetic location: 18q11.2.
Variant type: single nucleotide variant.
Coding change: c.541G>A on transcript NM_000271.5 (MANE Select); coding-DNA position 541, G replaced by A.
Protein change: p.Ala181Thr; replaces alanine 181 with threonine.
Molecular consequence: missense variant.
Genome position (GRCh38, 1-based): chr18:23,561,450, C>T on the plus strand (G>A on the coding strand, the complement: NPC1 is on the minus strand). VCF-style: chr18-23561450-C-T. GRCh37 (hg19) VCF-style: chr18-21141414-C-T.
Other names: short protein forms A181T.
Identifiers: ClinVar variation 497961 (VCV000497961.17), dbSNP rs199963560, ClinGen allele CA8913711.

ClinVar aggregate classification (germline): Uncertain significance. Review status: criteria provided, multiple submitters, no conflicts (2 of 4 stars). 9 submissions from 9 submitters: Uncertain significance (8). 1 of the submissions does not count toward it. Last evaluated 2025-12-19.

Conditions:
NPC1-related disorder. Also called: NPC1-related condition.
Inborn genetic diseases. Identifiers: MedGen C0950123, MeSH D030342.
Niemann-Pick disease, type C1. Also called: NEUROVISCERAL STORAGE DISEASE WITH VERTICAL SUPRANUCLEAR OPHTHALMOPLEGIA; NIEMANN-PICK DISEASE WITH CHOLESTEROL ESTERIFICATION BLOCK; NIEMANN-PICK DISEASE WITHOUT SPHINGOMYELINASE DEFICIENCY; NIEMANN-PICK DISEASE, CHRONIC NEURONOPATHIC FORM; NIEMANN-PICK DISEASE, VARIANT TYPE C1. Identifiers: Orphanet 646, MedGen C3179455, MONDO:0009757, OMIM 257220.

Allele frequency attached by ClinVar (database versions not stated): ExAC 0.00008; gnomAD 0.00011; gnomAD exomes 0.00012; TOPMed 0.00015; 1000 Genomes Project 30x 0.00016; 1000 Genomes Project 0.00020.

Submissions (9):

GeneDx
Classification: Uncertain significance. Last evaluated: 2025-12-19. Review status: criteria provided, single submitter. Criteria: GeneDx Variant Classification Process June 2021. Collection method: clinical testing. Allele origin: germline. Affected: yes.
Comment: Reported heterozygous in individuals with early-onset Parkinson disease in published literature; however, further clinical information was not provided (PMID: 35861376); In silico analysis supports that this missense variant has a deleterious effect on protein structure/function; This variant is associated with the following publications: (PMID: 35861376, 39697013, 24386122, 35086560, 19563754)

PreventionGenetics, part of Exact Sciences
Classification: Uncertain significance for NPC1-related condition. Last evaluated: 2025-11-21. Review status: criteria provided, single submitter. Criteria: ACMG Guidelines, 2015. Collection method: clinical testing. Allele origin: germline.
Comment: The NPC1 c.541G>A variant is predicted to result in the amino acid substitution p.Ala181Thr. This variant has not been reported in the literature in individuals with Niemann-Pick disease. This variant is reported in 0.065% of alleles in individuals of East Asian descent in gnomAD. Although we suspect that this variant may be benign, at this time, the clinical significance of this variant is uncertain due to the absence of conclusive functional and genetic evidence.

Victorian Clinical Genetics Services, Murdoch Childrens Research Institute
Classification: Uncertain significance for Niemann-Pick disease, type C1. Last evaluated: 2024-10-11. Review status: criteria provided, single submitter. Criteria: ACMG Guidelines, 2015. Collection method: clinical testing. Allele origin: germline. Inheritance: Autosomal recessive inheritance. Affected: yes.
Comment: Based on the classification scheme VCGS_Germline_v1.1.1, this variant is classified as VOUS – 3B. Following criteria are met: 0102 - Loss-of-function is a known mechanism of disease for this gene. (N) 0106 - This gene is known to be associated with autosomal recessive disease. (N) 0200 - Variant is predicted to result in a missense amino acid change from alanine to threonine. (N) 0251 - Variant is heterozygous. (N) 0304 - Variant is present in gnomAD <0.01 for a recessive condition (34 Heterozygotes, 0 Homozygotes). (P) 0502 - Missense variant with conflicting in-silico predictions and/or uninformative conservation. (N) 0601 - Variant affects at least one well-established (essential) functional domain or motif, NPC1 N terminal subdomain. (Kwon, H. et al. (2009)). (P) 0705 - No comparable variants have previous evidence for pathogenicity. (N) 0804 - Variant has previously been described as variant of uncertain significance in multiple independent cases. (LOVD, ClinVar, Zech, M. et al. (2013)). (N) 0905 - No segregation evidence has been identified for this variant. (N) 1007 - No published functional evidence has been identified for this variant. (N) Legend: (P) - Pathogenic, (N) - Neutral, (B) - Benign

3billion
Classification: Uncertain significance for Niemann-Pick disease, type C1. Last evaluated: 2024-07-17. Review status: criteria provided, single submitter. Criteria: ACMG Guidelines, 2015. Collection method: clinical testing. Allele origin: germline. Affected: yes.
Comment: The variant is observed at an extremely low frequency in the gnomAD v4.0.0 dataset (total allele frequency: 0.011%). Predicted Consequence/Location: Missense variant In silico tool predictions suggest damaging effect of the variant on gene or gene product [REVEL: 0.38 (>=0.6, sensitivity 0.68 and specificity 0.92); 3Cnet: 0.72 (>=0.6, sensitivity 0.72 and precision 0.9)]. A different missense change at the same codon (p.Ala181Asp) has been reported to be associated with NPC1 related disorder (PMID: 35086560). However the evidence of pathogenicity is insufficient at this time. The variant has been reported as of uncertain significance (ClinVar ID: VCV000497961.11). Therefore, this variant is classified as VUS according to the recommendation of ACMG/AMP guideline.

Labcorp Genetics (formerly Invitae), Labcorp
Classification: Uncertain significance for Niemann-Pick disease, type C1. Last evaluated: 2022-10-02. Review status: criteria provided, single submitter. Criteria: Invitae Variant Classification Sherloc (09022015). Collection method: clinical testing. Allele origin: germline.
Comment: This sequence change replaces alanine, which is neutral and non-polar, with threonine, which is neutral and polar, at codon 181 of the NPC1 protein (p.Ala181Thr). This variant is present in population databases (rs199963560, gnomAD 0.06%). This variant has not been reported in the literature in individuals affected with NPC1-related conditions. ClinVar contains an entry for this variant (Variation ID: 497961). Advanced modeling of protein sequence and biophysical properties (such as structural, functional, and spatial information, amino acid conservation, physicochemical variation, residue mobility, and thermodynamic stability) has been performed at Invitae for this missense variant, however the output from this modeling did not meet the statistical confidence thresholds required to predict the impact of this variant on NPC1 protein function. In summary, the available evidence is currently insufficient to determine the role of this variant in disease. Therefore, it has been classified as a Variant of Uncertain Significance.

Fulgent Genetics
Classification: Uncertain significance for Niemann-Pick disease, type C1. Last evaluated: 2022-02-23. Review status: criteria provided, single submitter. Criteria: ACMG Guidelines, 2015. Collection method: clinical testing. Allele origin: unknown.

Ambry Genetics
Classification: Uncertain significance for Inborn genetic diseases. Last evaluated: 2022-02-10. Review status: criteria provided, single submitter. Criteria: Ambry Variant Classification Scheme 2023. Collection method: clinical testing. Allele origin: germline.

Eurofins Ntd Llc (ga)
Classification: Uncertain significance. Last evaluated: 2017-12-14. Review status: criteria provided, single submitter. Criteria: EGL Classification Definitions 2015. Collection method: clinical testing. Allele origin: germline. Observed: 3 variant alleles, 3 heterozygotes.

Natera, Inc.
Classification: Uncertain significance for Niemann-Pick disease type C1. Last evaluated: 2020-01-29. Review status: no assertion criteria provided. Collection method: clinical testing. Allele origin: germline. Not counted in ClinVar's aggregate classification.

Literature cited by the submitters: PubMed 19563754 (cited by Victorian Clinical Genetics Services, Murdoch Childrens Research Institute); PubMed 24386122 (cited by Victorian Clinical Genetics Services, Murdoch Childrens Research Institute); PubMed 35086560 (cited by 3billion).